The following is an entry in ClinVar:

NM_144997.7(FLCN):c.1523A>G (p.Lys508Arg)

Gene: FLCN (folliculin; minus strand). Cytogenetic location: 17p11.2.
Variant type: single nucleotide variant.
Coding change: c.1523A>G on transcript NM_144997.7 (MANE Select); coding-DNA position 1523, A replaced by G.
Protein change: p.Lys508Arg; replaces lysine 508 with arginine.
Molecular consequence: missense variant.
Genome position (GRCh38, 1-based): chr17:17,215,000, T>C on the plus strand (A>G on the coding strand, the complement: FLCN is on the minus strand). VCF-style: chr17-17215000-T-C. GRCh37 (hg19) VCF-style: chr17-17118314-T-C.
Other names: c.1577A>G, p.Lys526Arg (NM_001353229.2); c.1523A>G, p.Lys508Arg (NM_001353230.2, NM_001353231.2); c.1523A>G (LRG_325t1); short protein forms K508R, K526R.
Identifiers: ClinVar variation 41856 (VCV000041856.49), dbSNP rs199643834, ClinGen allele CA211431.
Genomic context (GRCh38, chr17:17,215,000, plus strand): 5'-CTCCAGGGTCGCAAGCAAAGGGGCCTCACCCACACTGTTGCTTACTTCATCCACTCCTCC[T>C]TGAGGCAGACGAGGCACTGGTCCACCACATCCACAGACAGGTTCTGGTTGGTCAGAGCCG-3'
Protein context (NP_659434.2, residues 498-518): DVVDQCLVCL[Lys508Arg]EEWMNKVKVL

ClinVar aggregate classification (germline): Conflicting classifications of pathogenicity. Review status: criteria provided, conflicting classifications (1 of 4 stars). 12 submissions from 11 submitters: Uncertain significance (4); Benign (2); Likely benign (3). 3 of the submissions do not count toward it. Last evaluated 2026-02-03.

Conditions:
FLCN-related disorder. Also called: FLCN-related condition.
Hereditary cancer-predisposing syndrome. Also called: Tumor predisposition; Neoplastic Syndromes, Hereditary; Hereditary Cancer Syndrome; Hereditary neoplastic syndrome. Identifiers: Orphanet 140162, MedGen C0027672, MeSH D009386, MONDO:0015356.
Birt-Hogg-Dube syndrome. Also called: Birt Hogg Dubé syndrome. Identifiers: Orphanet 122, MedGen C0346010, MONDO:0800444.
Familial spontaneous pneumothorax (PSP). Identifiers: Orphanet 2903, MedGen C1868193, MONDO:0008259, OMIM 173600.

Allele frequency attached by ClinVar (database versions not stated): TOPMed 0.00017; gnomAD 0.00018; gnomAD exomes 0.00019 and 0.00042; ExAC 0.00020; ESP Exome Variant Server 0.00031.
gnomAD v4.1: 631 of 1,614,004 alleles (0.039%); highest among the groups gnomAD compares: Non-Finnish European, 0.052%; 1 homozygote.

Submissions (13):

Labcorp Genetics (formerly Invitae), Labcorp
Classification: Benign for Birt-Hogg-Dube syndrome. Last evaluated: 2026-02-03. Review status: criteria provided, single submitter. Criteria: Invitae Variant Classification Sherloc (09022015). Collection method: clinical testing. Allele origin: germline.

Center for Genomic Medicine, Rigshospitalet, Copenhagen University Hospital
Classification: Uncertain significance. Last evaluated: 2025-12-29. Review status: criteria provided, single submitter. Criteria: ACMG Guidelines, 2015. Collection method: clinical testing. Allele origin: germline.

CeGaT Center for Human Genetics Tuebingen
Classification: Uncertain significance. Last evaluated: 2024-12-01. Review status: criteria provided, single submitter. Criteria: CeGaT Center For Human Genetics Tuebingen Variant Classification Criteria Version 2. Collection method: clinical testing. Allele origin: germline. Affected: yes. Observed: 1 variant allele.
Comment: FLCN: PP4, PS3:Supporting

Mayo Clinic Laboratories, Mayo Clinic
Classification: Uncertain significance. Last evaluated: 2023-12-05. Review status: criteria provided, single submitter. Criteria: ACMG Guidelines, 2015. Collection method: clinical testing. Allele origin: germline. Observed: 1 variant allele.
Comment: PP3, PP4, PS3_supporting

Women's Health and Genetics/Laboratory Corporation of America, LabCorp
Classification: Likely benign. Last evaluated: 2023-04-27. Review status: criteria provided, single submitter. Criteria: LabCorp Variant Classification Summary - May 2015. Collection method: clinical testing. Allele origin: germline.
Comment: Variant summary: FLCN c.1523A>G (p.Lys508Arg) results in a conservative amino acid change in the encoded protein sequence. Four of five in-silico tools predict a damaging effect of the variant on protein function. The variant allele was found at a frequency of 0.00019 in 251484 control chromosomes (gnomAD), predominantly at a frequency of 0.00042 within the Non-Finnish European subpopulation in the gnomAD database. The observed variant frequency within Non-Finnish European control individuals in the gnomAD database is approximately 336 fold of the estimated maximal expected allele frequency for a pathogenic variant in FLCN causing Birt-Hogg-Dube Syndrome phenotype (1.3e-06), strongly suggesting that the variant is a benign polymorphism found primarily in populations of Non-Finnish European origin. Experimental evidence evaluating the impact of the variant on protein function found that the variant is able to suppress tumor growth to levels comparable to wild-type (Nahorski_2011), but the variant was also not able to completely rescue normal kidney development in a FLCN deficient mouse model (Hasumi_2017). The following publications have been ascertained in the context of this evaluation (PMID: 28007907, 23784378, 21538689). Six ClinVar submitters have assessed the variant since 2014: two classified the variant as uncertain significance, two as likely benign, and two as benign. Based on the evidence outlined above, the variant was classified as likely benign.

Ambry Genetics
Classification: Likely benign for Hereditary cancer-predisposing syndrome. Last evaluated: 2022-03-30. Review status: criteria provided, single submitter. Criteria: Ambry Variant Classification Scheme 2023. Collection method: clinical testing. Allele origin: germline.

GeneDx
Classification: Likely benign. Last evaluated: 2018-01-17. Review status: criteria provided, single submitter. Criteria: GeneDx Variant Classification (06012015). Collection method: clinical testing. Allele origin: germline. Affected: yes.
Comment: This variant is considered likely benign or benign based on one or more of the following criteria: it is a conservative change, it occurs at a poorly conserved position in the protein, it is predicted to be benign by multiple in silico algorithms, and/or has population frequency not consistent with disease.

Illumina Laboratory Services, Illumina
Classification: Benign for Birt-Hogg-Dube syndrome 1. Last evaluated: 2017-04-28. Review status: criteria provided, single submitter. Criteria: ICSL Variant Classification Criteria 13 December 2019. Collection method: clinical testing. Allele origin: germline.
Comment: This variant was observed as part of a predisposition screen in an ostensibly healthy population. A literature search was performed for the gene, cDNA change, and amino acid change (where applicable). Publications were found based on this search. The evidence from the literature, in combination with allele frequency data from public databases where available, was sufficient to rule this variant out of causing disease. Therefore, this variant is classified as benign.

Illumina Laboratory Services, Illumina
Classification: Uncertain significance for Familial spontaneous pneumothorax. Last evaluated: 2017-04-28. Review status: criteria provided, single submitter. Criteria: ICSL Variant Classification Criteria 13 December 2019. Collection method: clinical testing. Allele origin: germline.

PreventionGenetics, part of Exact Sciences
Classification: Likely benign for FLCN-related condition. Last evaluated: 2022-02-23. Review status: no assertion criteria provided. Collection method: clinical testing. Allele origin: germline. Not counted in ClinVar's aggregate classification.
Comment: This variant is classified as likely benign based on ACMG/AMP sequence variant interpretation guidelines (Richards et al. 2015 PMID: 25741868, with internal and published modifications).

CSER _CC_NCGL, University of Washington
Classification: Uncertain significance for Birt-Hogg-Dub syndrome. Last evaluated: 2014-06-01. Review status: no assertion criteria provided. Collection method: research. Allele origin: germline. Inheritance: Autosomal dominant inheritance. Study: ESP 6500 variant annotation. Not counted in ClinVar's aggregate classification.
Comment: Variants classified for the Actionable exomic incidental findings in 6503 participants: challenges of variant classification manuscript

Biesecker Lab/Clinical Genomics Section, National Institutes of Health
Classification: Uncertain significance. Last evaluated: 2012-07-13. Review status: no assertion criteria provided. Collection method: research. Allele origin: germline. Affected: no. Observed: 1 variant allele. Study: ClinSeq. Not counted in ClinVar's aggregate classification.
ClinVar note: Converted during submission from variant of unknown significance to Uncertain significance.

Dr. Peter K. Rogan Lab, Western University
No classification provided (evidence only). Condition: Familial cancer of breast. Review status: no classification provided. Collection method: in vitro. Allele origin: not applicable. Functional consequence: retained intron. Not counted in ClinVar's aggregate classification.

Literature cited by the submitters: PubMed 28007907 (cited by 3 submitters); PubMed 32398770 (cited by Center for Genomic Medicine, Rigshospitalet, Copenhagen University Hospital and Mayo Clinic Laboratories, Mayo Clinic); PubMed 18234728 (cited by 3 submitters); PubMed 21538689 (cited by 3 submitters); PubMed 23784378 (cited by 3 submitters); PubMed 25519458 (cited by Mayo Clinic Laboratories, Mayo Clinic); PubMed 30476936 (cited by Mayo Clinic Laboratories, Mayo Clinic); PubMed 25637381 (cited by Illumina Laboratory Services, Illumina); PubMed 24055113 (cited by Illumina Laboratory Services, Illumina); PubMed 23874397 (cited by Illumina Laboratory Services, Illumina).